The following is an entry in ClinVar:

ClinVar aggregate classification (germline): Likely benign (1 of 4 stars; one submission).

Conditions:
Breast-ovarian cancer, familial, susceptibility to, 1 (BROVCA1). Also called: OVARIAN CANCER, SUSCEPTIBILITY TO; BRCA1 Hereditary Breast and Ovarian Cancer. Identifiers: Orphanet 145, MedGen C2676676, MONDO:0011450, OMIM 604370. Disease mechanism: loss of function.

Submission:

Cancer Bioinformatics and Tumour Evolution Laboratory, Monash University
Classification: Likely benign for Breast-ovarian cancer, familial, susceptibility to, 1. Last evaluated: 2026-05-01. Review status: criteria provided, single submitter. Criteria: ClinGen BRCA1 and BRCA2 Guidelines, 2024. Collection method: curation. Allele origin: germline. Inheritance: Autosomal dominant inheritance.
Comment: Missense variant outside of a functional domain with no splice impact. BRCA1 and BRCA2 VCEP guidelines recommend application of BP1_Strong (PMID: 39142283)

NM_007294.4(BRCA1):c.1611C>G (p.Asn537Lys)

Gene: BRCA1 (BRCA1 DNA repair associated; minus strand). Cytogenetic location: 17q21.31.
Variant type: single nucleotide variant.
Coding change: c.1611C>G on transcript NM_007294.4 (MANE Select); coding-DNA position 1611, C replaced by G.
Protein change: p.Asn537Lys; replaces asparagine 537 with lysine.
Molecular consequence: missense variant. On other transcripts: intron variant (137).
Genome position (GRCh38, 1-based): chr17:43,093,920, G>C on the plus strand (C>G on the coding strand, the complement: BRCA1 is on the minus strand). VCF-style: chr17-43093920-G-C. GRCh37 (hg19) VCF-style: chr17-41245937-G-C.
Other names: c.1488C>G, p.Asn496Lys (NM_001407937.1, NM_001407938.1, NM_001407939.1 and 19 more transcripts); c.1485C>G, p.Asn495Lys (NM_001407940.1, NM_001407941.1, NM_001407671.1 and 11 more transcripts); c.1470C>G, p.Asn490Lys (NM_001407942.1, NM_001407944.1, NM_001407945.1 and 29 more transcripts); c.1467C>G, p.Asn489Lys (NM_001407943.1, NM_001407745.1, NM_001407746.1 and 20 more transcripts); c.1398C>G, p.Asn466Lys (NM_001407571.1, NM_001407894.1, NM_001407895.1 and 9 more transcripts); c.1611C>G, p.Asn537Lys (NM_001407581.1, NM_001407582.1, NM_001407583.1 and 30 more transcripts); c.1608C>G, p.Asn536Lys (NM_001407587.1, NM_001407590.1, NM_001407591.1 and 22 more transcripts); c.1533C>G, p.Asn511Lys (NM_001407654.1, NM_001407655.1, NM_001407656.1 and 4 more transcripts); and 40 more; short protein forms N241K, N369K, N409K, N410K, N425K, N426K, N448K, N449K.
Identifiers: ClinVar variation 4856528 (VCV004856528.1).